The following is an entry in ClinVar:

ClinVar aggregate classification (germline): Likely benign (1 of 4 stars; one submission).

Allele frequency attached by ClinVar (database versions not stated): gnomAD exomes below 0.00001.

Submission:

CeGaT Center for Human Genetics Tuebingen
Classification: Likely benign. Last evaluated: 2023-03-01. Review status: criteria provided, single submitter. Criteria: CeGaT Center For Human Genetics Tuebingen Variant Classification Criteria Version 2. Collection method: clinical testing. Allele origin: germline. Affected: yes. Observed: 1 variant allele.
Comment: DSPP: BP4, BP7

NM_014208.3(DSPP):c.3681C>T (p.Asp1227=)

Genes: DMP1-AS1 (DMP1 and DSPP antisense RNA 1; minus strand), DSPP (dentin sialophosphoprotein; plus strand). Cytogenetic location: 4q22.1.
Variant type: single nucleotide variant.
Coding change: c.3681C>T on transcript NM_014208.3 (MANE Select); coding-DNA position 3681, C replaced by T.
Protein change: p.Asp1227=; no amino-acid change (aspartic acid 1227 retained).
Molecular consequence: synonymous variant.
Genome position (GRCh38, 1-based): chr4:87,616,343, C>T. VCF-style: chr4-87616343-C-T. GRCh37 (hg19) VCF-style: chr4-88537495-C-T.
Identifiers: ClinVar variation 2654933 (VCV002654933.24), dbSNP rs959216315, ClinGen allele CA100859715.
Genomic context (GRCh38, chr4:87,616,343, plus strand): 5'-CAGTGACAGCAGTGACAGCAGCGACAGCAGTGACAGCAGCGACAGCAGTGACAGCAGCGA[C>T]AGCAGTGACAGCAATGAAAGCAGCGACAGCAGTGACAGCAGCGATAGCAGTGACAGCAGC-3'
Protein context (NP_055023.2, residues 1217-1237): SDSSDSSDSS[Asp1227=]SSDSNESSDS